The following is an entry in ClinVar:

NM_003482.4(KMT2D):c.2166G>A (p.Glu722=)

Gene: KMT2D (lysine methyltransferase 2D; minus strand). Cytogenetic location: 12q13.12.
Variant type: single nucleotide variant.
Coding change: c.2166G>A on transcript NM_003482.4 (MANE Select); coding-DNA position 2166, G replaced by A.
Protein change: p.Glu722=; no amino-acid change (glutamic acid 722 retained).
Molecular consequence: synonymous variant.
Genome position (GRCh38, 1-based): chr12:49,051,517, C>T on the plus strand (G>A on the coding strand, the complement: KMT2D is on the minus strand). VCF-style: chr12-49051517-C-T. GRCh37 (hg19) VCF-style: chr12-49445300-C-T.
Identifiers: ClinVar variation 3033434 (VCV003033434.3), dbSNP rs2120671219, ClinGen allele CA479714481.
Genomic context (GRCh38, chr12:49,051,517, plus strand): 5'-GTGCGGCCCCTCGGACCGGGGGCAGAGTTGCGGCTCCTCAGGTAGTGGCAACAGGGGTGA[C>T]TCCTCCAGCGGCAGGGACATGAGCGAGTCCTCCGGTGGTGGGGAAGCAGGTGAGTCCTCA-3'
Protein context (NP_003473.3, residues 712-732): EDSLMSLPLE[Glu722=]SPLLPLPEEP

ClinVar aggregate classification (germline): Likely benign. Review status: criteria provided, multiple submitters, no conflicts (2 of 4 stars). 2 submissions from 2 submitters: Likely benign (2). Last evaluated 2026-01-26.

Conditions:
KMT2D-related disorder. Also called: KMT2D-Related Disorders.
Kabuki syndrome. Also called: NIIKAWA-KUROKI SYNDROME; Kabuki make-up syndrome. Identifiers: Orphanet 2322, MedGen C0796004, MONDO:0016512.

gnomAD v4.1: 1 of 1,613,622 alleles (0.000062%); highest among the groups gnomAD compares: Non-Finnish European, 0.000085%; no homozygotes.

Submissions (2):

Labcorp Genetics (formerly Invitae), Labcorp
Classification: Likely benign for Kabuki syndrome. Last evaluated: 2026-01-26. Review status: criteria provided, single submitter. Criteria: Invitae Variant Classification Sherloc (09022015). Collection method: clinical testing. Allele origin: germline.

PreventionGenetics, part of Exact Sciences
Classification: Likely benign for KMT2D-related condition. Last evaluated: 2023-10-31. Review status: criteria provided, single submitter. Criteria: ACMG Guidelines, 2015. Collection method: clinical testing. Allele origin: germline.
Comment: This variant is classified as likely benign based on ACMG/AMP sequence variant interpretation guidelines (Richards et al. 2015 PMID: 25741868, with internal and published modifications).